The following is an entry in ClinVar:

NM_001105206.3(LAMA4):c.2985C>T (p.Thr995=)

Gene: LAMA4 (laminin subunit alpha 4; minus strand). Cytogenetic location: 6q21.
Variant type: single nucleotide variant.
Coding change: c.2985C>T on transcript NM_001105206.3 (MANE Select); coding-DNA position 2985, C replaced by T.
Protein change: p.Thr995=; no amino-acid change (threonine 995 retained).
Molecular consequence: synonymous variant.
Genome position (GRCh38, 1-based): chr6:112,139,877, G>A on the plus strand (C>T on the coding strand, the complement: LAMA4 is on the minus strand). VCF-style: chr6-112139877-G-A. GRCh37 (hg19) VCF-style: chr6-112461079-G-A.
Other names: c.2964C>T, p.Thr988= (NM_001105207.3, NM_002290.5).
Identifiers: ClinVar variation 3866192 (VCV003866192.1).

ClinVar aggregate classification (germline): Uncertain significance (1 of 4 stars; one submission).

Conditions:
Cardiovascular phenotype. Identifiers: MedGen CN230736.

gnomAD v4.1: 8 of 1,613,862 alleles (0.0005%); highest among the groups gnomAD compares: Admixed American, 0.013%; no homozygotes.

Submission:

Ambry Genetics
Classification: Uncertain significance for Cardiovascular phenotype. Last evaluated: 2025-01-08. Review status: criteria provided, single submitter. Criteria: Ambry Variant Classification Scheme 2023. Collection method: clinical testing. Allele origin: germline.
Comment: The c.2964C>T variant (also known as p.T988T), located in coding exon 22 of the LAMA4 gene, results from a C to T substitution at nucleotide position 2964. This nucleotide substitution does not change the amino acid at codon 988. This nucleotide position is not well conserved in available vertebrate species. In silico splice site analysis for this alteration is inconclusive. The evidence for this gene-disease relationship is limited; therefore, the clinical significance of this alteration is unclear.